The following is an entry in ClinVar:

NM_004946.3(DOCK2):c.3955A>G (p.Ser1319Gly)

Gene: DOCK2 (dedicator of cytokinesis 2; plus strand). Cytogenetic location: 5q35.1.
Variant type: single nucleotide variant.
Coding change: c.3955A>G on transcript NM_004946.3 (MANE Select); coding-DNA position 3955, A replaced by G.
Protein change: p.Ser1319Gly; replaces serine 1319 with glycine.
Molecular consequence: missense variant. On other transcripts: non-coding transcript variant (1).
Genome position (GRCh38, 1-based): chr5:170,045,894, A>G. VCF-style: chr5-170045894-A-G. GRCh37 (hg19) VCF-style: chr5-169472898-A-G.
Other names: short protein forms S1319G.
Identifiers: ClinVar variation 1051181 (VCV001051181.9), dbSNP rs774350496, ClinGen allele CA3554376.
Genomic context (GRCh38, chr5:170,045,894, plus strand): 5'-AGTCTGTGCAAGGAGCTGGCGGAACAGTACGAGATGGAGATCTTTGACTATGAGCTGCTC[A>G]GCCAGAACCTGGTAAGGCATCCCCTGGGAAGGCTGAATGCCCTGCAGGCTGGGTGCTCAG-3'
Protein context (NP_004937.1, residues 1309-1329): EMEIFDYELL[Ser1319Gly]QNLIQQAKFY

ClinVar aggregate classification (germline): Uncertain significance (1 of 4 stars; one submission).

Conditions:
DOCK2 deficiency. Also called: Immunodeficiency 40. Identifiers: Orphanet 447737, MedGen C4225328, MONDO:0014637, OMIM 616433.

Allele frequency attached by ClinVar (database versions not stated): gnomAD 0.00001; gnomAD exomes 0.00001 and 0.00003; TOPMed 0.00001; ExAC 0.00003.
gnomAD v4.1: 6 of 1,614,070 alleles (0.00037%); highest among the groups gnomAD compares: East Asian, 0.0022%; no homozygotes.

Submission:

Labcorp Genetics (formerly Invitae), Labcorp
Classification: Uncertain significance for DOCK2 deficiency. Last evaluated: 2020-07-07. Review status: criteria provided, single submitter. Criteria: Invitae Variant Classification Sherloc (09022015). Collection method: clinical testing. Allele origin: germline.
Comment: In summary, the available evidence is currently insufficient to determine the role of this variant in disease. Therefore, it has been classified as a Variant of Uncertain Significance. Algorithms developed to predict the effect of missense changes on protein structure and function (SIFT, PolyPhen-2, Align-GVGD) all suggest that this variant is likely to be tolerated, but these predictions have not been confirmed by published functional studies and their clinical significance is uncertain. This variant has not been reported in the literature in individuals with DOCK2-related conditions. This variant is present in population databases (rs774350496, ExAC 0.05%). This sequence change replaces serine with glycine at codon 1319 of the DOCK2 protein (p.Ser1319Gly). The serine residue is moderately conserved and there is a small physicochemical difference between serine and glycine.